The following is an entry in ClinVar:

ClinVar aggregate classification (germline): Benign/Likely benign. Review status: criteria provided, multiple submitters, no conflicts (2 of 4 stars). 3 submissions from 3 submitters: Benign (2); Likely benign (1). Last evaluated 2026-02-02.

Allele frequency attached by ClinVar (database versions not stated): gnomAD 0.00001 and 0.00025; TOPMed 0.00006; gnomAD exomes 0.00055 and 0.00111; ExAC 0.00121; 1000 Genomes Project 30x 0.00203; 1000 Genomes Project 0.00220.
gnomAD v4.1: 849 of 1,613,836 alleles (0.053%); highest among the groups gnomAD compares: South Asian, 0.88%; 16 homozygotes.

Submissions (3):

Labcorp Genetics (formerly Invitae), Labcorp
Classification: Benign. Last evaluated: 2026-02-02. Review status: criteria provided, single submitter. Criteria: Invitae Variant Classification Sherloc (09022015). Collection method: clinical testing. Allele origin: germline.

CeGaT Center for Human Genetics Tuebingen
Classification: Likely benign. Last evaluated: 2025-08-01. Review status: criteria provided, single submitter. Criteria: CeGaT Center For Human Genetics Tuebingen Variant Classification Criteria Version 2. Collection method: clinical testing. Allele origin: germline. Affected: yes. Observed: 4 variant alleles.
Comment: AUTS2: BP4, BP7, BS2

GeneDx
Classification: Benign. Last evaluated: 2020-03-19. Review status: criteria provided, single submitter. Criteria: GeneDx Variant Classification Process June 2021. Collection method: clinical testing. Allele origin: germline. Affected: yes.

NM_015570.4(AUTS2):c.942A>G (p.Gln314=)

Gene: AUTS2 (activator of transcription and developmental regulator AUTS2; plus strand). Cytogenetic location: 7q11.22.
Variant type: single nucleotide variant.
Coding change: c.942A>G on transcript NM_015570.4 (MANE Select); coding-DNA position 942, A replaced by G.
Protein change: p.Gln314=; no amino-acid change (glutamine 314 retained).
Molecular consequence: synonymous variant.
Genome position (GRCh38, 1-based): chr7:70,763,069, A>G. VCF-style: chr7-70763069-A-G. GRCh37 (hg19) VCF-style: chr7-70228055-A-G.
Other names: c.942A>G, p.Gln314= (NM_001127231.3).
Identifiers: ClinVar variation 707387 (VCV000707387.45), dbSNP rs550466174, ClinGen allele CA4280516.